The following is an entry in ClinVar:

ClinVar aggregate classification (germline): Likely pathogenic (1 of 4 stars; one submission).

Conditions:
Mucopolysaccharidosis, MPS-IV-B (MPS4B). Also called: Mucopolysaccharidosis type 4B; Mucopolysaccharidosis type IVB (Morquio); MPS IVB; MORQUIO SYNDROME B; Mucopolysaccharidosis type IV B; Mucopolysaccharidosis Type IVB. Identifiers: Orphanet 309310, Orphanet 582, MedGen C0086652, MONDO:0009660, OMIM 253010.
GM1 gangliosidosis. Identifiers: Orphanet 354, MedGen C0085131, MONDO:0018149.

Submission:

Labcorp Genetics (formerly Invitae), Labcorp
Classification: Likely pathogenic for Mucopolysaccharidosis, MPS-IV-B; GM1 gangliosidosis. Last evaluated: 2022-12-31. Review status: criteria provided, single submitter. Criteria: Invitae Variant Classification Sherloc (09022015). Collection method: clinical testing. Allele origin: germline.
Comment: This sequence change replaces arginine, which is basic and polar, with proline, which is neutral and non-polar, at codon 419 of the GLB1 protein (p.Arg419Pro). In summary, the currently available evidence indicates that the variant is pathogenic, but additional data are needed to prove that conclusively. Therefore, this variant has been classified as Likely Pathogenic. This variant disrupts the p.Arg419 amino acid residue in GLB1. Other variant(s) that disrupt this residue have been determined to be pathogenic (PMID: 31761138, 33083013). This suggests that this residue is clinically significant, and that variants that disrupt this residue are likely to be disease-causing. Advanced modeling of protein sequence and biophysical properties (such as structural, functional, and spatial information, amino acid conservation, physicochemical variation, residue mobility, and thermodynamic stability) performed at Invitae indicates that this missense variant is expected to disrupt GLB1 protein function. This variant has not been reported in the literature in individuals affected with GLB1-related conditions. This variant is not present in population databases (gnomAD no frequency).

Literature cited by the submitters: PubMed 31761138; PubMed 33083013.

NM_000404.4(GLB1):c.1256G>C (p.Arg419Pro)

Gene: GLB1 (galactosidase beta 1; minus strand). Cytogenetic location: 3p22.3.
Variant type: single nucleotide variant.
Coding change: c.1256G>C on transcript NM_000404.4 (MANE Select); coding-DNA position 1256, G replaced by C.
Protein change: p.Arg419Pro; replaces arginine 419 with proline.
Molecular consequence: missense variant.
Genome position (GRCh38, 1-based): chr3:33,018,539, C>G on the plus strand (G>C on the coding strand, the complement: GLB1 is on the minus strand). VCF-style: chr3-33018539-C-G. GRCh37 (hg19) VCF-style: chr3-33060031-C-G.
Other names: c.1166G>C, p.Arg389Pro (NM_001079811.3); c.863G>C, p.Arg288Pro (NM_001135602.3); c.1400G>C, p.Arg467Pro (NM_001317040.2); c.1256G>C, p.Arg419Pro (NM_001393580.1); short protein forms R389P, R288P, R419P, R467P.
Identifiers: ClinVar variation 2942833 (VCV002942833.3), dbSNP rs780634117, ClinGen allele CA351992532.